The following is an entry in ClinVar:

ClinVar aggregate classification (germline): Conflicting classifications of pathogenicity. Review status: criteria provided, conflicting classifications (1 of 4 stars). 2 submissions from 2 submitters: Likely pathogenic (1); Uncertain significance (1). Last evaluated 2025-10-08.

Conditions:
Kabuki syndrome. Also called: NIIKAWA-KUROKI SYNDROME; Kabuki make-up syndrome. Identifiers: Orphanet 2322, MedGen C0796004, MONDO:0016512.

Submissions (2):

Labcorp Genetics (formerly Invitae), Labcorp
Classification: Likely pathogenic for Kabuki syndrome. Last evaluated: 2025-10-08. Review status: criteria provided, single submitter. Criteria: Invitae Variant Classification Sherloc (09022015). Collection method: clinical testing. Allele origin: germline.
Comment: This variant, c.15163_15168del, results in the deletion of 2 amino acid(s) of the KMT2D protein (p.Asp5055_Leu5056del), but otherwise preserves the integrity of the reading frame. This variant is not present in population databases (gnomAD no frequency). This variant has been observed in individual(s) with clinical features of Kabuki syndrome (PMID: 27302555, 33057194; internal data). In at least one individual the variant was observed to be de novo. In summary, the currently available evidence indicates that the variant is pathogenic, but additional data are needed to prove that conclusively. Therefore, this variant has been classified as Likely Pathogenic.

Eurofins Ntd Llc (ga)
Classification: Uncertain significance. Last evaluated: 2012-09-14. Review status: criteria provided, single submitter. Criteria: EGL Classification Definitions 2015. Collection method: clinical testing. Allele origin: germline. Observed: 1 variant allele, 1 heterozygote.

Literature cited by the submitters: PubMed 27302555 (cited by Labcorp Genetics (formerly Invitae), Labcorp); PubMed 33057194 (cited by Labcorp Genetics (formerly Invitae), Labcorp).

NM_003482.4(KMT2D):c.15157GACCTG[1] (p.5053DL[1])

Gene: KMT2D (lysine methyltransferase 2D; minus strand). Cytogenetic location: 12q13.12.
Variant type: Microsatellite.
Coding change: c.15157GACCTG[1] on transcript NM_003482.4 (MANE Select); one copy of the 6-base unit GACCTG starting at c.15157; the reference has two copies in a row; one copy, 6 bases deleted.
Protein change: p.5053DL[1].
Molecular consequence: inframe deletion.
Genome position (GRCh38, 1-based): chr12:49,026,798-49,026,803, CAGGTC deleted on the plus strand (GACCTG on the coding strand, the reverse complement: KMT2D is on the minus strand); deleting any 6 consecutive bases within chr12:49,026,798-49,026,814 gives the same sequence; the position shown is the placement nearest the transcript's 3' end. VCF-style (leftmost placement, unchanged base first): chr12-49026797-ACAGGTC-A. GRCh37 (hg19) VCF-style: chr12-49420580-ACAGGTC-A.
Other names: c.15163_15168delGACCTG (NM_003482.3).
Identifiers: ClinVar variation 94181 (VCV000094181.12), dbSNP rs398123725, ClinGen allele CA222029.